The following is an entry in ClinVar:

NM_013275.6(ANKRD11):c.3975C>G (p.Phe1325Leu)

Gene: ANKRD11 (ankyrin repeat domain 11; minus strand). Cytogenetic location: 16q24.3.
Variant type: single nucleotide variant.
Coding change: c.3975C>G on transcript NM_013275.6 (MANE Select); coding-DNA position 3975, C replaced by G.
Protein change: p.Phe1325Leu; replaces phenylalanine 1325 with leucine.
Molecular consequence: missense variant.
Genome position (GRCh38, 1-based): chr16:89,282,567, G>C on the plus strand (C>G on the coding strand, the complement: ANKRD11 is on the minus strand). VCF-style: chr16-89282567-G-C. GRCh37 (hg19) VCF-style: chr16-89348975-G-C.
Other names: c.3975C>G, p.Phe1325Leu (NM_001256182.2, NM_001256183.2); short protein forms F1325L.
Identifiers: ClinVar variation 2842576 (VCV002842576.3), dbSNP rs2544234769, ClinGen allele CA397158593.

ClinVar aggregate classification (germline): Uncertain significance (1 of 4 stars; one submission).

Conditions:
KBG syndrome (KBGS). Also called: ANKRD11-Related KBG Syndrome. Identifiers: Orphanet 2332, MedGen C0220687, MONDO:0007846, OMIM 148050.

gnomAD v4.1: 4 of 1,614,026 alleles (0.00025%); highest among the groups gnomAD compares: South Asian, 0.0011%; no homozygotes.

Submission:

Labcorp Genetics (formerly Invitae), Labcorp
Classification: Uncertain significance for KBG syndrome. Last evaluated: 2023-04-15. Review status: criteria provided, single submitter. Criteria: Invitae Variant Classification Sherloc (09022015). Collection method: clinical testing. Allele origin: germline.
Comment: In summary, the available evidence is currently insufficient to determine the role of this variant in disease. Therefore, it has been classified as a Variant of Uncertain Significance. Advanced modeling of protein sequence and biophysical properties (such as structural, functional, and spatial information, amino acid conservation, physicochemical variation, residue mobility, and thermodynamic stability) performed at Invitae indicates that this missense variant is not expected to disrupt ANKRD11 protein function. This variant has not been reported in the literature in individuals affected with ANKRD11-related conditions. This variant is not present in population databases (gnomAD no frequency). This sequence change replaces phenylalanine, which is neutral and non-polar, with leucine, which is neutral and non-polar, at codon 1325 of the ANKRD11 protein (p.Phe1325Leu).